The following is an entry in ClinVar:

NM_001077621.2(VPS37D):c.492G>A (p.Gln164=)

Gene: VPS37D (VPS37D subunit of ESCRT-I; plus strand). Cytogenetic location: 7q11.23.
Variant type: single nucleotide variant.
Coding change: c.492G>A on transcript NM_001077621.2 (MANE Select); coding-DNA position 492, G replaced by A.
Protein change: p.Gln164=; no amino-acid change (glutamine 164 retained).
Molecular consequence: synonymous variant.
Genome position (GRCh38, 1-based): chr7:73,671,112, G>A. VCF-style: chr7-73671112-G-A. GRCh37 (hg19) VCF-style: chr7-73085442-G-A.
Identifiers: ClinVar variation 2657563 (VCV002657563.24), dbSNP rs186005344, ClinGen allele CA4289777.

ClinVar aggregate classification (germline): Likely benign (1 of 4 stars; one submission).

Allele frequency attached by ClinVar (database versions not stated): 1000 Genomes Project 30x 0.00094; 1000 Genomes Project 0.00120; ESP Exome Variant Server 0.00178; gnomAD 0.00186; TOPMed 0.00202; ExAC 0.00256; gnomAD exomes 0.00356.
gnomAD v4.1: 5,469 of 1,609,502 alleles (0.34%); highest among the groups gnomAD compares: Middle Eastern, 1.4%; 15 homozygotes.

Submission:

CeGaT Center for Human Genetics Tuebingen
Classification: Likely benign. Last evaluated: 2025-09-01. Review status: criteria provided, single submitter. Criteria: CeGaT Center For Human Genetics Tuebingen Variant Classification Criteria Version 2. Collection method: clinical testing. Allele origin: germline. Affected: yes. Observed: 4 variant alleles.
Comment: VPS37D: BP4, BP7, BS2